The following is an entry in ClinVar:

ClinVar aggregate classification (germline): Benign/Likely benign. Review status: criteria provided, multiple submitters, no conflicts (2 of 4 stars). 2 submissions from 2 submitters: Benign (1); Likely benign (1). Last evaluated 2025-04-08.

Conditions:
Tuberous sclerosis 1 (TSC1). Identifiers: Orphanet 805, MedGen C1854465, MONDO:0008612, OMIM 191100.

Submissions (2):

Myriad Genetics, Inc.
Classification: Benign for Tuberous sclerosis 1. Last evaluated: 2025-04-08. Review status: criteria provided, single submitter. Criteria: Myriad Autosomal Dominant, Autosomal Recessive and X-Linked Classification Criteria (2023). Collection method: clinical testing. Allele origin: unknown.
Comment: This variant is considered benign. This variant is a silent/synonymous amino acid change and it is not expected to impact splicing.

Labcorp Genetics (formerly Invitae), Labcorp
Classification: Likely benign for Tuberous sclerosis 1. Last evaluated: 2019-03-13. Review status: criteria provided, single submitter. Criteria: Invitae Variant Classification Sherloc (09022015). Collection method: clinical testing. Allele origin: germline.

NM_000368.5(TSC1):c.756T>G (p.Thr252=)

Gene: TSC1 (TSC complex subunit 1; minus strand). Cytogenetic location: 9q34.13.
Variant type: single nucleotide variant.
Coding change: c.756T>G on transcript NM_000368.5 (MANE Select); coding-DNA position 756, T replaced by G.
Protein change: p.Thr252=; no amino-acid change (threonine 252 retained).
Molecular consequence: synonymous variant.
Genome position (GRCh38, 1-based): chr9:132,912,439, A>C on the plus strand (T>G on the coding strand, the complement: TSC1 is on the minus strand). VCF-style: chr9-132912439-A-C. GRCh37 (hg19) VCF-style: chr9-135787826-A-C.
Other names: c.756T>G, p.Thr252= (NM_001162426.2); c.603T>G, p.Thr201= (NM_001162427.2); c.393T>G, p.Thr131= (NM_001362177.2).
Identifiers: ClinVar variation 1114881 (VCV001114881.10), dbSNP rs2132006065, ClinGen allele CA467593611.